The following is an entry in ClinVar:

NM_001009999.3(KDM1A):c.58G>A (p.Gly20Arg)

Gene: KDM1A (lysine demethylase 1A; plus strand). Cytogenetic location: 1p36.12.
Variant type: single nucleotide variant.
Coding change: c.58G>A on transcript NM_001009999.3 (MANE Select); coding-DNA position 58, G replaced by A.
Protein change: p.Gly20Arg; replaces glycine 20 with arginine.
Molecular consequence: missense variant.
Genome position (GRCh38, 1-based): chr1:23,019,654, G>A. VCF-style: chr1-23019654-G-A. GRCh37 (hg19) VCF-style: chr1-23346147-G-A.
Other names: c.58G>A, p.Gly20Arg (NM_001363654.2, NM_001410762.1, NM_001410763.1 and 1 more transcripts); short protein forms G20R.
Identifiers: ClinVar variation 3383567 (VCV003383567.2).
Genomic context (GRCh38, chr1:23,019,654, plus strand): 5'-GAGATGTTATCTGGGAAGAAGGCGGCAGCCGCGGCGGCGGCGGCTGCAGCGGCAGCAACC[G>A]GGACGGAGGCTGGCCCTGGGACAGCAGGCGGCTCCGAGAACGGGTCTGAGGTGGCCGCGC-3'
Protein context (NP_001009999.1, residues 10-30): AAAAAAAAAT[Gly20Arg]TEAGPGTAGG

ClinVar aggregate classification (germline): Uncertain significance. Review status: criteria provided, multiple submitters, no conflicts (2 of 4 stars). 2 submissions from 2 submitters: Uncertain significance (2). Last evaluated 2025-03-22.

Conditions:
Inborn genetic diseases. Identifiers: MedGen C0950123, MeSH D030342.

Submissions (2):

Ambry Genetics
Classification: Uncertain significance for Inborn genetic diseases. Last evaluated: 2025-03-22. Review status: criteria provided, single submitter. Criteria: Ambry Variant Classification Scheme 2023. Collection method: clinical testing. Allele origin: germline.
Comment: The p.G20R variant (also known as c.58G>A), located in coding exon 1 of the KDM1A gene, results from a G to A substitution at nucleotide position 58. The glycine at codon 20 is replaced by arginine, an amino acid with dissimilar properties. This amino acid position is conserved. In addition, this alteration is predicted to be tolerated by in silico analysis. Based on the available evidence, the clinical significance of this variant remains unclear.

GeneDx
Classification: Uncertain significance. Last evaluated: 2024-05-26. Review status: criteria provided, single submitter. Criteria: GeneDx Variant Classification Process June 2021. Collection method: clinical testing. Allele origin: germline. Affected: yes.
Comment: Not observed at significant frequency in large population cohorts (gnomAD); In silico analysis indicates that this missense variant does not alter protein structure/function; Has not been previously published as pathogenic or benign to our knowledge